The following is an entry in ClinVar:

NM_002473.6(MYH9):c.5317G>A (p.Ala1773Thr)

Gene: MYH9 (myosin heavy chain 9; minus strand). Cytogenetic location: 22q12.3.
Variant type: single nucleotide variant.
Coding change: c.5317G>A on transcript NM_002473.6 (MANE Select); coding-DNA position 5317, G replaced by A.
Protein change: p.Ala1773Thr; replaces alanine 1773 with threonine.
Molecular consequence: missense variant.
Genome position (GRCh38, 1-based): chr22:36,285,287, C>T on the plus strand (G>A on the coding strand, the complement: MYH9 is on the minus strand). VCF-style: chr22-36285287-C-T. GRCh37 (hg19) VCF-style: chr22-36681333-C-T.
Other names: c.5317G>A (NM_002473.4); short protein forms A1773T.
Identifiers: ClinVar variation 2142338 (VCV002142338.9), dbSNP rs190450967, ClinGen allele CA10209084.

ClinVar aggregate classification (germline): Conflicting classifications of pathogenicity. Review status: criteria provided, conflicting classifications (1 of 4 stars). 5 submissions from 5 submitters: Uncertain significance (3); Likely benign (2). Last evaluated 2025-11-06.

Conditions:
Inborn genetic diseases. Identifiers: MedGen C0950123, MeSH D030342.

Allele frequency attached by ClinVar (database versions not stated): ExAC 0.00007; ESP Exome Variant Server 0.00008; 1000 Genomes Project 30x 0.00016; gnomAD 0.00016; 1000 Genomes Project 0.00020.
gnomAD v4.1: 89 of 1,613,378 alleles (0.0055%); highest among the groups gnomAD compares: African/African-American, 0.037%; no homozygotes.

Submissions (5):

Labcorp Genetics (formerly Invitae), Labcorp
Classification: Likely benign. Last evaluated: 2025-11-06. Review status: criteria provided, single submitter. Criteria: Invitae Variant Classification Sherloc (09022015). Collection method: clinical testing. Allele origin: germline.

Laboratory of Genetics, Children's Clinical University Hospital Latvia
Classification: Likely benign. Last evaluated: 2025-02-16. Review status: criteria provided, single submitter. Criteria: ACMG Guidelines, 2015. Collection method: clinical testing. Allele origin: germline. Affected: yes.

GeneDx
Classification: Uncertain significance. Last evaluated: 2024-05-20. Review status: criteria provided, single submitter. Criteria: GeneDx Variant Classification Process June 2021. Collection method: clinical testing. Allele origin: germline. Affected: yes.
Comment: In silico analysis indicates that this missense variant does not alter protein structure/function; Has not been previously published as pathogenic or benign to our knowledge

Women's Health and Genetics/Laboratory Corporation of America, LabCorp
Classification: Uncertain significance. Last evaluated: 2024-03-19. Review status: criteria provided, single submitter. Criteria: LabCorp Variant Classification Summary - May 2015. Collection method: clinical testing. Allele origin: germline.
Comment: Variant summary: MYH9 c.5317G>A (p.Ala1773Thr) results in a non-conservative amino acid change located in the Myosin tail (IPR002928) of the encoded protein sequence. Four of five in-silico tools predict a benign effect of the variant on protein function. The variant allele was found at a frequency of 5.2e-05 in 250810 control chromosomes. This frequency does not allow conclusions about variant significance. To our knowledge, no occurrence of c.5317G>A in individuals affected with Macrothrombocytopenia And Granulocyte Inclusions With Or Without Nephritis Or Sensorineural Hearing Loss and no experimental evidence demonstrating its impact on protein function have been reported. ClinVar contains an entry for this variant (Variation ID: 2142338). Based on the evidence outlined above, the variant was classified as uncertain significance.

Ambry Genetics
Classification: Uncertain significance for Inborn genetic diseases. Last evaluated: 2021-11-29. Review status: criteria provided, single submitter. Criteria: Ambry Variant Classification Scheme 2023. Collection method: clinical testing. Allele origin: germline.